The following is an entry in ClinVar:

NM_000038.6(APC):c.4023T>A (p.Ser1341Arg)

Gene: APC (APC regulator of Wnt signaling pathway; plus strand). Cytogenetic location: 5q22.2.
Variant type: single nucleotide variant.
Coding change: c.4023T>A on transcript NM_000038.6 (MANE Select); coding-DNA position 4023, T replaced by A.
Protein change: p.Ser1341Arg; replaces serine 1341 with arginine.
Molecular consequence: missense variant.
Genome position (GRCh38, 1-based): chr5:112,839,617, T>A. VCF-style: chr5-112839617-T-A. GRCh37 (hg19) VCF-style: chr5-112175314-T-A.
Other names: c.4023T>A, p.Ser1341Arg (NM_001127510.3, NM_001354895.2, NM_001407450.1); c.3969T>A, p.Ser1323Arg (NM_001127511.3); c.4077T>A, p.Ser1359Arg (NM_001354896.2, NM_001407447.1, NM_001407448.1 and 1 more transcripts); c.4053T>A, p.Ser1351Arg (NM_001354897.2); c.3948T>A, p.Ser1316Arg (NM_001354898.2); c.3939T>A, p.Ser1313Arg (NM_001354899.2); c.3900T>A, p.Ser1300Arg (NM_001354900.2); c.3846T>A, p.Ser1282Arg (NM_001354901.2, NM_001407453.1); and 11 more; short protein forms S1058R, S1240R, S1334R, S1341R, S1369R, S1181R, S1212R, S1282R.
Identifiers: ClinVar variation 1737132 (VCV001737132.3), dbSNP rs886493252, ClinGen allele CA16030149.
Genomic context (GRCh38, chr5:112,839,617, plus strand): 5'-CGAAGTTCCAGCAGTGTCACAGCACCCTAGAACCAAATCCAGCAGACTGCAGGGTTCTAG[T>A]TTATCTTCAGAATCAGCCAGGCACAAAGCTGTTGAATTTTCTTCAGGAGCGAAATCTCCC-3'
Protein context (NP_000029.2, residues 1331-1351): RTKSSRLQGS[Ser1341Arg]LSSESARHKA

ClinVar aggregate classification (germline): Uncertain significance (1 of 4 stars; one submission).

Conditions:
Hereditary cancer-predisposing syndrome. Also called: Neoplastic Syndromes, Hereditary; Tumor predisposition; Hereditary Cancer Syndrome; Hereditary neoplastic syndrome. Identifiers: Orphanet 140162, MedGen C0027672, MeSH D009386, MONDO:0015356.

Allele frequency attached by ClinVar (database versions not stated): gnomAD exomes below 0.00001; TOPMed 0.00008.
gnomAD v4.1: 8 of 1,613,994 alleles (0.0005%); highest among the groups gnomAD compares: Admixed American, 0.0017%; no homozygotes.

Submission:

Ambry Genetics
Classification: Uncertain significance for Hereditary cancer-predisposing syndrome. Last evaluated: 2025-12-04. Review status: criteria provided, single submitter. Criteria: Ambry Variant Classification Scheme 2023. Collection method: clinical testing. Allele origin: germline.
Comment: The p.S1341R variant (also known as c.4023T>A), located in coding exon 15 of the APC gene, results from a T to A substitution at nucleotide position 4023. The serine at codon 1341 is replaced by arginine, an amino acid with dissimilar properties. Missense variants in APC are not a common cause of disease (Spier I et al. Genet Med. 2024 Feb;26(2):100992). This amino acid position is poorly conserved in available vertebrate species. In addition, in silico predictors for this gene do not accurately predict pathogenicity. Based on the available evidence, the clinical significance of this variant remains unclear.